The following is an entry in ClinVar:

NM_000334.4(SCN4A):c.4915C>T (p.Arg1639Cys)

Genes: GH-LCR (growth hormone locus control region; plus strand), SCN4A (sodium voltage-gated channel alpha subunit 4; minus strand). Cytogenetic location: 17q23.3.
Variant type: single nucleotide variant.
Coding change: c.4915C>T on transcript NM_000334.4 (MANE Select); coding-DNA position 4915, C replaced by T.
Protein change: p.Arg1639Cys; replaces arginine 1639 with cysteine.
Molecular consequence: missense variant.
Genome position (GRCh38, 1-based): chr17:63,941,367, G>A on the plus strand (C>T on the coding strand, the complement: SCN4A is on the minus strand). VCF-style: chr17-63941367-G-A. GRCh37 (hg19) VCF-style: chr17-62018727-G-A.
Other names: short protein forms R1639C.
Identifiers: ClinVar variation 1493115 (VCV001493115.8), dbSNP rs776231847, ClinGen allele CA400614548.

ClinVar aggregate classification (germline): Uncertain significance. Review status: criteria provided, multiple submitters, no conflicts (2 of 4 stars). 2 submissions from 2 submitters: Uncertain significance (2). Last evaluated 2025-11-13.

Conditions:
Inborn genetic diseases. Identifiers: MedGen C0950123, MeSH D030342.
Hyperkalemic periodic paralysis. Also called: Familial hyperkalemic periodic paralysis; Gamstorp disease. Identifiers: Orphanet 682, MedGen C0238357, MONDO:0008224, OMIM 170500, HP:0007215.

Allele frequency attached by ClinVar (database versions not stated): TOPMed 0.00001.
gnomAD v4.1: 7 of 1,613,928 alleles (0.00043%); highest among the groups gnomAD compares: Admixed American, 0.0033%; no homozygotes.

Submissions (2):

Ambry Genetics
Classification: Uncertain significance for Inborn genetic diseases. Last evaluated: 2025-11-13. Review status: criteria provided, single submitter. Criteria: Ambry Variant Classification Scheme 2023. Collection method: clinical testing. Allele origin: germline.

Labcorp Genetics (formerly Invitae), Labcorp
Classification: Uncertain significance for Hyperkalemic periodic paralysis. Last evaluated: 2024-10-30. Review status: criteria provided, single submitter. Criteria: Invitae Variant Classification Sherloc (09022015). Collection method: clinical testing. Allele origin: germline.
Comment: This sequence change replaces arginine, which is basic and polar, with cysteine, which is neutral and slightly polar, at codon 1639 of the SCN4A protein (p.Arg1639Cys). This variant is present in population databases (no rsID available, gnomAD 0.006%). This variant has not been reported in the literature in individuals affected with SCN4A-related conditions. ClinVar contains an entry for this variant (Variation ID: 1493115). Invitae Evidence Modeling of protein sequence and biophysical properties (such as structural, functional, and spatial information, amino acid conservation, physicochemical variation, residue mobility, and thermodynamic stability) indicates that this missense variant is not expected to disrupt SCN4A protein function with a negative predictive value of 95%. In summary, the available evidence is currently insufficient to determine the role of this variant in disease. Therefore, it has been classified as a Variant of Uncertain Significance.